The following is an entry in ClinVar:

ClinVar aggregate classification (germline): Uncertain significance (1 of 4 stars; one submission).

Conditions:
Fanconi anemia (FA). Also called: Fanconi's anemia. Identifiers: Orphanet 84, MedGen C0015625, MeSH D005199, MONDO:0019391.

Allele frequency attached by ClinVar (database versions not stated): gnomAD exomes below 0.00001 and 0.00001; TOPMed below 0.00001.
gnomAD v4.1: 9 of 1,614,122 alleles (0.00056%); highest among the groups gnomAD compares: Non-Finnish European, 0.00076%; no homozygotes.

Submission:

Labcorp Genetics (formerly Invitae), Labcorp
Classification: Uncertain significance for Fanconi anemia. Last evaluated: 2025-04-19. Review status: criteria provided, single submitter. Criteria: Invitae Variant Classification Sherloc (09022015). Collection method: clinical testing. Allele origin: germline.
Comment: This sequence change replaces alanine, which is neutral and non-polar, with valine, which is neutral and non-polar, at codon 236 of the SLX4 protein (p.Ala236Val). The frequency data for this variant in the population databases is considered unreliable, as metrics indicate poor data quality at this position in the gnomAD database. This variant has not been reported in the literature in individuals affected with SLX4-related conditions. ClinVar contains an entry for this variant (Variation ID: 943978). An algorithm developed to predict the effect of missense changes on protein structure and function outputs the following: PolyPhen-2: "Possibly Damaging". The valine amino acid residue is found in multiple mammalian species, which suggests that this missense change does not adversely affect protein function. In summary, the available evidence is currently insufficient to determine the role of this variant in disease. Therefore, it has been classified as a Variant of Uncertain Significance.

NM_032444.4(SLX4):c.707C>T (p.Ala236Val)

Gene: SLX4 (SLX4 structure-specific endonuclease subunit; minus strand). Cytogenetic location: 16p13.3.
Variant type: single nucleotide variant.
Coding change: c.707C>T on transcript NM_032444.4 (MANE Select); coding-DNA position 707, C replaced by T.
Protein change: p.Ala236Val; replaces alanine 236 with valine.
Molecular consequence: missense variant.
Genome position (GRCh38, 1-based): chr16:3,606,527, G>A on the plus strand (C>T on the coding strand, the complement: SLX4 is on the minus strand). VCF-style: chr16-3606527-G-A. GRCh37 (hg19) VCF-style: chr16-3656528-G-A.
Other names: short protein forms A236V.
Identifiers: ClinVar variation 943978 (VCV000943978.10), dbSNP rs200803578, ClinGen allele CA276970060.